The following is an entry in ClinVar:

NM_005629.4(SLC6A8):c.146T>C (p.Val49Ala)

Gene: SLC6A8 (solute carrier family 6 member 8; plus strand). Cytogenetic location: Xq28.
Variant type: single nucleotide variant.
Coding change: c.146T>C on transcript NM_005629.4 (MANE Select); coding-DNA position 146, T replaced by C.
Protein change: p.Val49Ala; replaces valine 49 with alanine.
Molecular consequence: missense variant.
Genome position (GRCh38, 1-based): chrX:153,688,720, T>C. VCF-style: chrX-153688720-T-C. GRCh37 (hg19) VCF-style: chrX-152954175-T-C.
Other names: c.146T>C, p.Val49Ala (NM_001142805.2); short protein forms V49A.
Identifiers: ClinVar variation 1436501 (VCV001436501.5), dbSNP rs1557043838, ClinGen allele CA415076503.

ClinVar aggregate classification (germline): Uncertain significance (1 of 4 stars; one submission).

Conditions:
Creatine transporter deficiency (CCDS1). Also called: CEREBRAL CREATINE DEFICIENCY SYNDROME 1; Mental retardation , X-linked with seizures, short stature and midface hypoplasia; Mental retardation , X-linked, with creatine transport deficiency; X-linked creatine transporter deficiency; X-linked creatine deficiency syndrome; SLC6A8-Related Creatine Transporter Deficiency. Identifiers: Orphanet 52503, MedGen C1845862, MONDO:0010305, OMIM 300352.

Allele frequency attached by ClinVar (database versions not stated): TOPMed below 0.00001; gnomAD exomes 0.00002.
gnomAD v4.1: 2 of 1,132,167 alleles (0.00018%); no homozygotes.

Submission:

Labcorp Genetics (formerly Invitae), Labcorp
Classification: Uncertain significance for Creatine transporter deficiency. Last evaluated: 2021-09-17. Review status: criteria provided, single submitter. Criteria: Invitae Variant Classification Sherloc (09022015). Collection method: clinical testing. Allele origin: germline.
Comment: This sequence change replaces valine with alanine at codon 49 of the SLC6A8 protein (p.Val49Ala). The valine residue is weakly conserved and there is a small physicochemical difference between valine and alanine. This variant is not present in population databases (ExAC no frequency). This variant has not been reported in the literature in individuals with SLC6A8-related conditions. Algorithms developed to predict the effect of missense changes on protein structure and function (SIFT, PolyPhen-2, Align-GVGD) all suggest that this variant is likely to be tolerated, but these predictions have not been confirmed by published functional studies and their clinical significance is uncertain. In summary, the available evidence is currently insufficient to determine the role of this variant in disease. Therefore, it has been classified as a Variant of Uncertain Significance.